The following is an entry in ClinVar:

ClinVar aggregate classification (germline): Likely pathogenic. Review status: criteria provided, multiple submitters, no conflicts (2 of 4 stars). 3 submissions from 3 submitters: Likely pathogenic (3). Last evaluated 2025-11-06.

Conditions:
Hereditary cancer-predisposing syndrome. Also called: Hereditary neoplastic syndrome; Hereditary Cancer Syndrome; Neoplastic Syndromes, Hereditary; Tumor predisposition. Identifiers: Orphanet 140162, MedGen C0027672, MeSH D009386, MONDO:0015356.
Lynch syndrome 5 (LYNCH5). Also called: Hereditary non-polyposis colorectal cancer, type 5; Colorectal cancer, hereditary nonpolyposis, type 5. Identifiers: Orphanet 144, MedGen C1833477, MONDO:0013710, OMIM 614350. Disease mechanism: loss of function.

Submissions (3):

Ambry Genetics
Classification: Likely pathogenic for Hereditary cancer-predisposing syndrome. Last evaluated: 2025-11-06. Review status: criteria provided, single submitter. Criteria: Ambry Variant Classification Scheme 2023. Collection method: clinical testing. Allele origin: germline.
Comment: The c.457+1delG intronic variant, located in intron 2 of the MSH6 gene, results from a deletion of one nucleotide within intron 2 of the MSH6 gene. This nucleotide position is highly conserved in available vertebrate species. In silico splice site analysis predicts that this alteration will weaken the native splice donor site and may result in the creation or strengthening of a novel splice donor site. RNA studies have demonstrated that this alteration results in abnormal splicing in the set of samples tested (Ambry internal data). This variant is considered to be rare based on population cohorts in the Genome Aggregation Database (gnomAD). Alterations that disrupt the canonical splice site are expected to cause aberrant splicing, resulting in an abnormal protein or a transcript that is subject to nonsense-mediated mRNA decay. As such, this alteration is classified as likely pathogenic.

Myriad Genetics, Inc.
Classification: Likely pathogenic for Lynch syndrome 5. Last evaluated: 2023-08-10. Review status: criteria provided, single submitter. Criteria: Myriad Autosomal Dominant, Autosomal Recessive and X-Linked Classification Criteria (2023). Collection method: clinical testing. Allele origin: unknown.
Comment: This variant is considered likely pathogenic. This variant occurs within a consensus splice junction and is predicted to result in abnormal mRNA splicing of either an out-of-frame exon or an in-frame exon necessary for protein stability and/or normal function.

GeneDx
Classification: Likely pathogenic. Last evaluated: 2015-11-12. Review status: criteria provided, single submitter. Criteria: GeneDx Variant Classification (06012015). Collection method: clinical testing. Allele origin: germline. Affected: yes.
Comment: This variant is denoted MSH6 c.457+1delG or IVS2+1delG and consists of a deletion of one nucleotide at the +1 position of intron 2. The normal sequence, with the base that is deleted in braces, is ACAG[g]taag, where the capital letters are exonic and lowercase are intronic. This variant destroys a canonical splice donor site and is predicted to cause abnormal gene splicing, leading to either an abnormal message that is subject to nonsense-mediated mRNA decay or to an abnormal protein product. This variant has not, to our knowledge, been published in the literature. Based on the currently available information, we consider MSH6 c.457+1delG to be a likely pathogenic variant.

NM_000179.3(MSH6):c.457+1del

Gene: MSH6 (mutS homolog 6; plus strand). Cytogenetic location: 2p16.3.
Variant type: Deletion.
Coding change: c.457+1del on transcript NM_000179.3 (MANE Select); the canonical splice donor site of the intron after coding-DNA position 457, one base deleted (G; older notation c.457+1delG).
Molecular consequence: splice donor variant. On other transcripts: frameshift variant (1), intron variant (6).
Genome position (GRCh38, 1-based): chr2:47,791,124, G deleted; the last of 2 consecutive G bases (chr2:47,791,123-47,791,124); deleting either gives the same sequence. VCF-style (leftmost placement, unchanged base first): chr2-47791122-AG-A. GRCh37 (hg19) VCF-style: chr2-48018261-AG-A.
Other names: c.457+1delG (NM_000179.2); c.458del, p.Gly153fs (NM_001406813.1); c.457+1del (NM_001406809.1, NM_001406796.1, NM_001406808.1 and 5 more transcripts); c.-280+1del (NM_001406811.1, NM_001281493.2, NM_001406829.1 and 1 more transcripts); c.160+1del (NM_001406805.1, NM_001406797.1, NM_001406801.1 and 10 more transcripts); c.553+1del (NM_001406795.1, NM_001406802.1); c.-472+1del (NM_001406807.1); c.-538+1del (NM_001406814.1); and 7 more; short protein forms G153fs.
Identifiers: ClinVar variation 234624 (VCV000234624.4), dbSNP rs876661125, ClinGen allele CA10577256.